The following is an entry in ClinVar:

ClinVar aggregate classification (germline): Conflicting classifications of pathogenicity. Review status: criteria provided, conflicting classifications (1 of 4 stars). 2 submissions from 2 submitters: Uncertain significance (1); Likely benign (1). Last evaluated 2026-09-11.

Conditions:
Ataxia-telangiectasia syndrome (AT). Also called: ATAXIA-TELANGIECTASIA, COMPLEMENTATION GROUP A; ATAXIA-TELANGIECTASIA, FRESNO VARIANT; Ataxia-telangiectasia; LOUIS-BAR SYNDROME; Cerebello-oculocutaneous telangiectasia; Immunodeficiency with ataxia telangiectasia. Identifiers: Orphanet 100, MedGen C0004135, MONDO:0008840, OMIM 208900.
Hereditary cancer-predisposing syndrome. Also called: Tumor predisposition; Hereditary neoplastic syndrome; Neoplastic Syndromes, Hereditary; Hereditary Cancer Syndrome. Identifiers: Orphanet 140162, MedGen C0027672, MeSH D009386, MONDO:0015356.

Submissions (2):

Ambry Genetics
Classification: Likely benign for Hereditary cancer-predisposing syndrome. Last evaluated: 2026-09-11. Review status: criteria provided, single submitter. Criteria: Ambry Variant Classification Scheme 2023. Collection method: clinical testing. Allele origin: germline.

Labcorp Genetics (formerly Invitae), Labcorp
Classification: Uncertain significance for Ataxia-telangiectasia syndrome. Last evaluated: 2022-10-16. Review status: criteria provided, single submitter. Criteria: Invitae Variant Classification Sherloc (09022015). Collection method: clinical testing. Allele origin: germline.
Comment: In summary, the available evidence is currently insufficient to determine the role of this variant in disease. Therefore, it has been classified as a Variant of Uncertain Significance. Algorithms developed to predict the effect of missense changes on protein structure and function output the following: SIFT: "Tolerated"; PolyPhen-2: "Benign"; Align-GVGD: "Class C0". The valine amino acid residue is found in multiple mammalian species, which suggests that this missense change does not adversely affect protein function. This variant has not been reported in the literature in individuals affected with ATM-related conditions. This variant is not present in population databases (gnomAD no frequency). This sequence change replaces alanine, which is neutral and non-polar, with valine, which is neutral and non-polar, at codon 1123 of the ATM protein (p.Ala1123Val).

NM_000051.4(ATM):c.3368C>T (p.Ala1123Val)

Gene: ATM (ATM serine/threonine kinase; plus strand). Cytogenetic location: 11q22.3.
Variant type: single nucleotide variant.
Coding change: c.3368C>T on transcript NM_000051.4 (MANE Select); coding-DNA position 3368, C replaced by T.
Protein change: p.Ala1123Val; replaces alanine 1123 with valine.
Molecular consequence: missense variant.
Genome position (GRCh38, 1-based): chr11:108,279,574, C>T. VCF-style: chr11-108279574-C-T. GRCh37 (hg19) VCF-style: chr11-108150301-C-T.
Other names: c.3368C>T, p.Ala1123Val (NM_001351834.2); short protein forms A1123V.
Identifiers: ClinVar variation 1721740 (VCV001721740.6), dbSNP rs2135644677, ClinGen allele CA382517694.
Genomic context (GRCh38, chr11:108,279,574, plus strand): 5'-ATTCTTCCAGGTTACTGAAAGCACTTCCTTTGAAGCTTCAGCAAACAGCTTTTGAAAATG[C>T]ATACTTGAAAGCTCAGGAAGGAATGAGAGAAATGGTAATTTTAAGTAACATGTATTTGCT-3'
Protein context (NP_000042.3, residues 1113-1133): LKLQQTAFEN[Ala1123Val]YLKAQEGMRE